The following is an entry in ClinVar:

NM_000051.4(ATM):c.8328T>C (p.Ile2776=)

Genes: ATM (ATM serine/threonine kinase; plus strand), C11orf65 (chromosome 11 open reading frame 65; minus strand). Cytogenetic location: 11q22.3.
Variant type: single nucleotide variant.
Coding change: c.8328T>C on transcript NM_000051.4 (MANE Select); coding-DNA position 8328, T replaced by C.
Protein change: p.Ile2776=; no amino-acid change (isoleucine 2776 retained).
Molecular consequence: synonymous variant. On other transcripts: intron variant (2).
Genome position (GRCh38, 1-based): chr11:108,343,281, T>C. VCF-style: chr11-108343281-T-C. GRCh37 (hg19) VCF-style: chr11-108214008-T-C.
Other names: c.8328T>C, p.Ile2776= (NM_001351834.2); c.641-34210A>G (NM_001330368.2); c.695-7989A>G (NM_001351110.2).
Identifiers: ClinVar variation 3253806 (VCV003253806.1), dbSNP rs2136945860.

ClinVar aggregate classification (germline): Benign (1 of 4 stars; one submission).

Conditions:
Familial cancer of breast. Also called: hereditary breast carcinoma; BREAST CANCER, FAMILIAL; Hereditary breast cancer. Identifiers: Orphanet 227535, MedGen C0346153, MONDO:0016419, OMIM 114480. Disease mechanism: loss of function.

Submission:

Myriad Genetics, Inc.
Classification: Benign for Familial cancer of breast. Last evaluated: 2024-06-19. Review status: criteria provided, single submitter. Criteria: Myriad Autosomal Dominant, Autosomal Recessive and X-Linked Classification Criteria (2023). Collection method: clinical testing. Allele origin: unknown.
Comment: This variant is considered benign. This variant is a silent/synonymous amino acid change and it is not expected to impact splicing.